The following is an entry in ClinVar:

ClinVar aggregate classification (germline): Uncertain significance (1 of 4 stars; one submission).

Conditions:
HNF4A-related disorder. Also called: HNF4A-related condition.

Submission:

PreventionGenetics, part of Exact Sciences
Classification: Uncertain significance for HNF4A-related condition. Last evaluated: 2025-06-01. Review status: criteria provided, single submitter. Criteria: ACMG Guidelines, 2015. Collection method: clinical testing. Allele origin: germline.
Comment: The HNF4A c.775A>G variant is predicted to result in the amino acid substitution p.Ile259Val. To our knowledge, this variant has not been reported in the literature or in a large population database (gnomAD), indicating this variant is rare. At this time, the clinical significance of this variant is uncertain due to the absence of conclusive functional and genetic evidence.

NM_175914.5(HNF4A):c.775A>G (p.Ile259Val)

Gene: HNF4A (hepatocyte nuclear factor 4 alpha; plus strand). Cytogenetic location: 20q13.12.
Variant type: single nucleotide variant.
Coding change: c.775A>G on transcript NM_175914.5 (MANE Select); coding-DNA position 775, A replaced by G.
Protein change: p.Ile259Val; replaces isoleucine 259 with valine.
Molecular consequence: missense variant.
Genome position (GRCh38, 1-based): chr20:44,419,825, A>G. VCF-style: chr20-44419825-A-G. GRCh37 (hg19) VCF-style: chr20-43048465-A-G.
Other names: c.841A>G, p.Ile281Val (NM_000457.6, NM_178849.3, NM_178850.3); c.775A>G, p.Ile259Val (NM_001030003.3, NM_001030004.3); c.820A>G, p.Ile274Val (NM_001258355.2); c.766A>G, p.Ile256Val (NM_001287182.2, NM_001287183.2, NM_001287184.2); short protein forms I281V, I274V, I259V, I256V.
Identifiers: ClinVar variation 5001866 (VCV005001866.1).
Genomic context (GRCh38, chr20:44,419,825, plus strand): 5'-ATGAGCCGGGTGTCCATACGCATCCTTGACGAGCTGGTGCTGCCCTTCCAGGAGCTGCAG[A>G]TCGATGACAATGAGTATGCCTACCTCAAAGCCATCATCTTCTTTGACCCAGGTACAGTGC-3'
Protein context (NP_787110.2, residues 249-269): ELVLPFQELQ[Ile259Val]DDNEYAYLKA